The following is an entry in ClinVar:

ClinVar aggregate classification (germline): Conflicting classifications of pathogenicity. Review status: criteria provided, conflicting classifications (1 of 4 stars). 2 submissions from 2 submitters: Uncertain significance (1); Likely benign (1). Last evaluated 2024-11-01.

Conditions:
Inborn genetic diseases. Identifiers: MedGen C0950123, MeSH D030342.

Allele frequency attached by ClinVar (database versions not stated): TOPMed 0.00025; ESP Exome Variant Server 0.00031; gnomAD 0.00032; gnomAD exomes 0.00039; ExAC 0.00050.
gnomAD v4.1: 610 of 1,610,888 alleles (0.038%); highest among the groups gnomAD compares: Non-Finnish European, 0.043%; no homozygotes.

Submissions (2):

CeGaT Center for Human Genetics Tuebingen
Classification: Uncertain significance. Last evaluated: 2024-11-01. Review status: criteria provided, single submitter. Criteria: CeGaT Center For Human Genetics Tuebingen Variant Classification Criteria Version 2. Collection method: clinical testing. Allele origin: germline. Affected: yes. Observed: 1 variant allele.
Comment: SNAPC4: PM2:Supporting, BP4

Ambry Genetics
Classification: Likely benign for Inborn genetic diseases. Last evaluated: 2023-01-24. Review status: criteria provided, single submitter. Criteria: Ambry Variant Classification Scheme 2023. Collection method: clinical testing. Allele origin: germline.

NM_003086.4(SNAPC4):c.911G>A (p.Arg304Gln)

Gene: SNAPC4 (small nuclear RNA activating complex polypeptide 4; minus strand). Cytogenetic location: 9q34.3.
Variant type: single nucleotide variant.
Coding change: c.911G>A on transcript NM_003086.4 (MANE Select); coding-DNA position 911, G replaced by A.
Protein change: p.Arg304Gln; replaces arginine 304 with glutamine.
Molecular consequence: missense variant.
Genome position (GRCh38, 1-based): chr9:136,392,006, C>T on the plus strand (G>A on the coding strand, the complement: SNAPC4 is on the minus strand). VCF-style: chr9-136392006-C-T. GRCh37 (hg19) VCF-style: chr9-139286458-C-T.
Other names: c.911G>A, p.Arg304Gln (NM_001394201.1, NM_001394202.1, NM_001394203.1); short protein forms R304Q.
Identifiers: ClinVar variation 2458142 (VCV002458142.16), dbSNP rs201654979, ClinGen allele CA5334646.